The following is an entry in ClinVar:

ClinVar aggregate classification (germline): Uncertain significance. Review status: criteria provided, multiple submitters, no conflicts (2 of 4 stars). 2 submissions from 2 submitters: Uncertain significance (2). Last evaluated 2025-11-08.

Conditions:
Inborn genetic diseases. Identifiers: MedGen C0950123, MeSH D030342.

Allele frequency attached by ClinVar (database versions not stated): gnomAD 0.00001; TOPMed 0.00001; gnomAD exomes 0.00001; ExAC 0.00001.
gnomAD v4.1: 12 of 1,613,874 alleles (0.00074%); highest among the groups gnomAD compares: East Asian, 0.0067%; no homozygotes.

Submissions (2):

Ambry Genetics
Classification: Uncertain significance for Inborn genetic diseases. Last evaluated: 2025-11-08. Review status: criteria provided, single submitter. Criteria: Ambry Variant Classification Scheme 2023. Collection method: clinical testing. Allele origin: germline.

Labcorp Genetics (formerly Invitae), Labcorp
Classification: Uncertain significance. Last evaluated: 2022-06-03. Review status: criteria provided, single submitter. Criteria: Invitae Variant Classification Sherloc (09022015). Collection method: clinical testing. Allele origin: germline.
Comment: In summary, the available evidence is currently insufficient to determine the role of this variant in disease. Therefore, it has been classified as a Variant of Uncertain Significance. Advanced modeling of protein sequence and biophysical properties (such as structural, functional, and spatial information, amino acid conservation, physicochemical variation, residue mobility, and thermodynamic stability) performed at Invitae indicates that this missense variant is not expected to disrupt ABCC6 protein function. This variant has not been reported in the literature in individuals affected with ABCC6-related conditions. This variant is present in population databases (rs753628351, gnomAD 0.02%). This sequence change replaces serine, which is neutral and polar, with asparagine, which is neutral and polar, at codon 1198 of the ABCC6 protein (p.Ser1198Asn).

NM_001171.6(ABCC6):c.3593G>A (p.Ser1198Asn)

Gene: ABCC6 (ATP binding cassette subfamily C member 6; minus strand). Cytogenetic location: 16p13.11.
Variant type: single nucleotide variant.
Coding change: c.3593G>A on transcript NM_001171.6 (MANE Select); coding-DNA position 3593, G replaced by A.
Protein change: p.Ser1198Asn; replaces serine 1198 with asparagine.
Molecular consequence: missense variant. On other transcripts: non-coding transcript variant (1).
Genome position (GRCh38, 1-based): chr16:16,161,478, C>T on the plus strand (G>A on the coding strand, the complement: ABCC6 is on the minus strand). VCF-style: chr16-16161478-C-T. GRCh37 (hg19) VCF-style: chr16-16255335-C-T.
Other names: c.3251G>A, p.Ser1084Asn (NM_001351800.1); c.3593G>A (NM_001171.5); short protein forms S1198N, S1084N.
Identifiers: ClinVar variation 1954323 (VCV001954323.4), dbSNP rs753628351, ClinGen allele CA7925521.